The following is an entry in ClinVar:

NM_014727.3(KMT2B):c.1765C>T (p.Pro589Ser)

Gene: KMT2B (lysine methyltransferase 2B; plus strand). Cytogenetic location: 19q13.12.
Variant type: single nucleotide variant.
Coding change: c.1765C>T on transcript NM_014727.3 (MANE Select); coding-DNA position 1765, C replaced by T.
Protein change: p.Pro589Ser; replaces proline 589 with serine.
Molecular consequence: missense variant.
Genome position (GRCh38, 1-based): chr19:35,721,112, C>T. VCF-style: chr19-35721112-C-T. GRCh37 (hg19) VCF-style: chr19-36212014-C-T.
Other names: short protein forms P589S.
Identifiers: ClinVar variation 3691475 (VCV003691475.2).

ClinVar aggregate classification (germline): Uncertain significance (1 of 4 stars; one submission).

gnomAD v4.1: 5 of 1,610,218 alleles (0.00031%); highest among the groups gnomAD compares: East Asian, 0.0045%; no homozygotes.

Submission:

Labcorp Genetics (formerly Invitae), Labcorp
Classification: Uncertain significance. Last evaluated: 2024-12-23. Review status: criteria provided, single submitter. Criteria: Invitae Variant Classification Sherloc (09022015). Collection method: clinical testing. Allele origin: germline.
Comment: This sequence change replaces proline, which is neutral and non-polar, with serine, which is neutral and polar, at codon 589 of the KMT2B protein (p.Pro589Ser). This variant is present in population databases (rs751715820, gnomAD 0.003%). This variant has not been reported in the literature in individuals affected with KMT2B-related conditions. Invitae Evidence Modeling of protein sequence and biophysical properties (such as structural, functional, and spatial information, amino acid conservation, physicochemical variation, residue mobility, and thermodynamic stability) indicates that this missense variant is not expected to disrupt KMT2B protein function with a negative predictive value of 80%. In summary, the available evidence is currently insufficient to determine the role of this variant in disease. Therefore, it has been classified as a Variant of Uncertain Significance.